The following is an entry in ClinVar:

ClinVar aggregate classification (germline): Pathogenic (1 of 4 stars; one submission).

Conditions:
Intellectual developmental disorder with speech delay, autism, and dysmorphic facies. Identifiers: MedGen C5231456, MONDO:0032864, OMIM 618672.

Submission:

Variantyx, Inc.
Classification: Pathogenic for Intellectual developmental disorder with speech delay, autism, and dysmorphic facies. Last evaluated: 2025-05-22. Review status: criteria provided, single submitter. Criteria: Variantyx Assertion Criteria 2022. Collection method: clinical testing. Allele origin: de novo. Inheritance: Autosomal dominant inheritance. Affected: yes.
Comment: This is a frameshift variant in the CNOT3 gene (OMIM: 604910). Pathogenic variants in this gene have been associated with autosomal dominant intellectual developmental disorder with speech delay, autism, and dysmorphic facies (PMID:31201375). This variant introduces a premature termination codon in exon 14 out of 18 and is expected to result in loss of function, which is a known disease mechanism for CNOT3 in this disorder (PMID: 31201375) (PVS1). This variant is absent from control populations (PM2). Based on the current evidence, this variant is classified as pathogenic for autosomal dominant intellectual developmental disorder with speech delay, autism, and dysmorphic facies.

Literature cited by the submitters: PubMed 31201375.

NM_014516.4(CNOT3):c.1610del (p.Pro537fs)

Gene: CNOT3 (CCR4-NOT transcription complex subunit 3; plus strand). Cytogenetic location: 19q13.42.
Variant type: Deletion.
Coding change: c.1610del on transcript NM_014516.4 (MANE Select); coding-DNA position 1610, one base deleted (C; older notation c.1610delC).
Protein change: p.Pro537fs; shifts the reading frame from proline 537.
Molecular consequence: frameshift variant. On other transcripts: non-coding transcript variant (2).
Genome position (GRCh38, 1-based): chr19:54,152,230, C deleted; the last of 4 consecutive C bases (chr19:54,152,227-54,152,230); deleting any one gives the same sequence. VCF-style (leftmost placement, unchanged base first): chr19-54152226-GC-G. GRCh37 (hg19) VCF-style: chr19-54655963-GC-G.
Other names: c.1613del, p.Pro538fs (NM_001440653.1, NM_001440655.1, NM_001440657.1 and 3 more transcripts); c.1610del, p.Pro537fs (NM_001440654.1, NM_001440656.1, NM_001440658.1 and 1 more transcripts); c.1067del, p.Pro356fs (NM_001440659.1, NM_001440660.1); short protein forms P356fs, P537fs, P538fs.
Identifiers: ClinVar variation 4850787 (VCV004850787.1).
Genomic context (GRCh38, chr19:54,152,226, plus strand): 5'-CAGGCTGCACTTGCTCCTGCAGCCCAAGTGCTCAGGCCAGGCCTCTTGTTTCCTCCCCAG[GC>G]CCCTGAGCCTCTGAGCTCCTTGAAGTCCATGGCGGAACGGGCAGCCATCAGCTCTGGCAT-3'